The following is an entry in ClinVar:

ClinVar aggregate classification (germline): Uncertain significance (1 of 4 stars; one submission).

Submission:

GeneDx
Classification: Uncertain significance. Last evaluated: 2020-05-29. Review status: criteria provided, single submitter. Criteria: GeneDx Variant Classification Process June 2021. Collection method: clinical testing. Allele origin: germline. Affected: yes.
Comment: Not observed in large population cohorts (Lek et al., 2016); In silico analysis supports that this missense variant has a deleterious effect on protein structure/function; Has not been previously published as pathogenic or benign to our knowledge

NM_020461.4(TUBGCP6):c.4741T>C (p.Ser1581Pro)

Gene: TUBGCP6 (tubulin gamma complex component 6; minus strand). Cytogenetic location: 22q13.33.
Variant type: single nucleotide variant.
Coding change: c.4741T>C on transcript NM_020461.4 (MANE Select); coding-DNA position 4741, T replaced by C.
Protein change: p.Ser1581Pro; replaces serine 1581 with proline.
Molecular consequence: missense variant.
Genome position (GRCh38, 1-based): chr22:50,218,783, A>G on the plus strand (T>C on the coding strand, the complement: TUBGCP6 is on the minus strand). VCF-style: chr22-50218783-A-G. GRCh37 (hg19) VCF-style: chr22-50657212-A-G.
Other names: short protein forms S1581P.
Identifiers: ClinVar variation 1303806 (VCV001303806.2), dbSNP rs2147172823, ClinGen allele CA412168504.